The following is an entry in ClinVar:

ClinVar aggregate classification (germline): Uncertain significance. Review status: criteria provided, multiple submitters, no conflicts (2 of 4 stars). 3 submissions from 3 submitters: Uncertain significance (3). Last evaluated 2026-02-24.

Conditions:
Combined immunodeficiency due to DOCK8 deficiency (HIES2). Also called: HIES autosomal recessive; DOCK8 Deficiency; Hyper-IgE recurrent infection syndrome, autosomal recessive; HYPER-IgE SYNDROME 2, AUTOSOMAL RECESSIVE, WITH RECURRENT INFECTIONS; HYPER-IgE RECURRENT INFECTION SYNDROME 2, AUTOSOMAL RECESSIVE. Identifiers: Orphanet 217390, MedGen C4722305, MONDO:0009478, OMIM 243700.

Allele frequency attached by ClinVar (database versions not stated): ExAC 0.00001; gnomAD 0.00001; gnomAD exomes 0.00001 and 0.00003; TOPMed 0.00001.

Submissions (3):

Women's Health and Genetics/Laboratory Corporation of America, LabCorp
Classification: Uncertain significance. Last evaluated: 2026-02-24. Review status: criteria provided, single submitter. Criteria: LabCorp Variant Classification Summary - May 2015. Collection method: clinical testing. Allele origin: germline.
Comment: Variant summary: DOCK8 c.1306C>T (p.Arg436Trp) results in a non-conservative amino acid change in the encoded protein sequence. Algorithms developed to predict the effect of missense changes on protein structure and function are either unavailable or do not agree on the potential impact of this missense change. The variant allele was found at a frequency of 2.8e-05 in 251370 control chromosomes. The available data on variant occurrences in the general population are insufficient to allow any conclusion about variant significance. c.1306C>T has been observed in an individual with multiple Epstein Barr Virus smooth muscle tumors and immune dysregulation, for whom there was strong concern for a primary immunodeficiency/immune dyregulatory disorder, without strong evidence of causality (example: Yonkof_2020). This report does not provide unequivocal conclusions about association of the variant with Severe Combined Immunodeficiency. To our knowledge, no experimental evidence demonstrating an impact on protein function has been reported. The following publication has been ascertained in the context of this evaluation (PMID: 32625199). ClinVar contains an entry for this variant (Variation ID: 938466). Based on the evidence outlined above, the variant was classified as uncertain significance.

Labcorp Genetics (formerly Invitae), Labcorp
Classification: Uncertain significance for Combined immunodeficiency due to DOCK8 deficiency. Last evaluated: 2022-06-15. Review status: criteria provided, single submitter. Criteria: Invitae Variant Classification Sherloc (09022015). Collection method: clinical testing. Allele origin: germline.
Comment: This sequence change replaces arginine, which is basic and polar, with tryptophan, which is neutral and slightly polar, at codon 436 of the DOCK8 protein (p.Arg436Trp). This variant is present in population databases (rs775192218, gnomAD 0.006%). This variant has not been reported in the literature in individuals affected with DOCK8-related conditions. ClinVar contains an entry for this variant (Variation ID: 938466). Algorithms developed to predict the effect of missense changes on protein structure and function (SIFT, PolyPhen-2, Align-GVGD) all suggest that this variant is likely to be disruptive. In summary, the available evidence is currently insufficient to determine the role of this variant in disease. Therefore, it has been classified as a Variant of Uncertain Significance.

Baylor Genetics
Classification: Uncertain significance for Combined immunodeficiency due to DOCK8 deficiency. Last evaluated: 2019-11-08. Review status: criteria provided, single submitter. Criteria: ACMG Guidelines, 2015. Collection method: clinical testing. Allele origin: unknown. Affected: yes.
Comment: This variant was determined to be of uncertain significance according to ACMG Guidelines, 2015 [PMID:25741868].

Literature cited by the submitters: PubMed 32625199 (cited by Women's Health and Genetics/Laboratory Corporation of America, LabCorp).

NM_203447.4(DOCK8):c.1306C>T (p.Arg436Trp)

Gene: DOCK8 (dedicator of cytokinesis 8; plus strand). Cytogenetic location: 9p24.3.
Variant type: single nucleotide variant.
Coding change: c.1306C>T on transcript NM_203447.4 (MANE Select); coding-DNA position 1306, C replaced by T.
Protein change: p.Arg436Trp; replaces arginine 436 with tryptophan.
Molecular consequence: missense variant.
Genome position (GRCh38, 1-based): chr9:336,602, C>T. VCF-style: chr9-336602-C-T. GRCh37 (hg19) VCF-style: chr9-336602-C-T.
Other names: c.1102C>T, p.Arg368Trp (NM_001190458.2, NM_001193536.2); short protein forms R436W, R368W.
Identifiers: ClinVar variation 938466 (VCV000938466.9), dbSNP rs775192218, ClinGen allele CA4957690.